The following is an entry in ClinVar:

ClinVar aggregate classification (germline): Uncertain significance (1 of 4 stars; one submission).

Allele frequency attached by ClinVar (database versions not stated): gnomAD 0.00003 and 0.00004; gnomAD exomes 0.00006; ExAC 0.00026; 1000 Genomes Project 0.00040; 1000 Genomes Project 30x 0.00047.
gnomAD v4.1: 64 of 1,569,494 alleles (0.0041%); highest among the groups gnomAD compares: South Asian, 0.035%; no homozygotes.

Submission:

Labcorp Genetics (formerly Invitae), Labcorp
Classification: Uncertain significance. Last evaluated: 2025-01-27. Review status: criteria provided, single submitter. Criteria: Invitae Variant Classification Sherloc (09022015). Collection method: clinical testing. Allele origin: germline.
Comment: This sequence change replaces alanine, which is neutral and non-polar, with threonine, which is neutral and polar, at codon 884 of the COL18A1 protein (p.Ala884Thr). The frequency data for this variant in the population databases is considered unreliable, as metrics indicate poor data quality at this position in the gnomAD database. This variant has not been reported in the literature in individuals affected with COL18A1-related conditions. ClinVar contains an entry for this variant (Variation ID: 1430207). Experimental studies and prediction algorithms are not available or were not evaluated, and the functional significance of this variant is currently unknown. In summary, the available evidence is currently insufficient to determine the role of this variant in disease. Therefore, it has been classified as a Variant of Uncertain Significance.

NM_001379500.1(COL18A1):c.2650G>A (p.Ala884Thr)

Gene: COL18A1 (collagen type XVIII alpha 1 chain; plus strand). Cytogenetic location: 21q22.3.
Variant type: single nucleotide variant.
Coding change: c.2650G>A on transcript NM_001379500.1 (MANE Select); coding-DNA position 2650, G replaced by A.
Protein change: p.Ala884Thr; replaces alanine 884 with threonine.
Molecular consequence: missense variant.
Genome position (GRCh38, 1-based): chr21:45,497,628, G>A. VCF-style: chr21-45497628-G-A. GRCh37 (hg19) VCF-style: chr21-46917542-G-A.
Other names: c.3190G>A, p.Ala1064Thr (NM_030582.4); c.3895G>A, p.Ala1299Thr (NM_130444.3); short protein forms A1064T, A1299T, A884T.
Identifiers: ClinVar variation 1430207 (VCV001430207.4), dbSNP rs539944051, ClinGen allele CA10067257.